The following is an entry in ClinVar:

ClinVar aggregate classification (germline): Pathogenic (1 of 4 stars; one submission).

Submission:

Labcorp Genetics (formerly Invitae), Labcorp
Classification: Pathogenic. Last evaluated: 2022-10-17. Review status: criteria provided, single submitter. Criteria: Invitae Variant Classification Sherloc (09022015). Collection method: clinical testing. Allele origin: germline.
Comment: This variant disrupts the p.Leu197 amino acid residue in PRPF31. Other variant(s) that disrupt this residue have been determined to be pathogenic (PMID: 29343940, 30030392, 30360737). This suggests that this residue is clinically significant, and that variants that disrupt this residue are likely to be disease-causing. For these reasons, this variant has been classified as Pathogenic. This variant has not been reported in the literature in individuals affected with PRPF31-related conditions. This variant results in the deletion of deletion of exons 5, 6 and part of exon 7 (c.323-158_660del) of the PRPF31 gene. It is expected to disrupt RNA splicing. Variants that disrupt the donor or acceptor splice site typically lead to a loss of protein function (PMID: 16199547), and loss-of-function variants in PRPF31 are known to be pathogenic (PMID: 18317597, 23950152).

Literature cited by the submitters: PubMed 29343940; PubMed 30030392; PubMed 30360737; PubMed 16199547; PubMed 18317597; PubMed 23950152.

NC_000019.9:g.(?_54625718)_(54627260_?)del

Gene: PRPF31 (pre-mRNA processing factor 31; plus strand). Cytogenetic location: 19q13.42.
Variant type: Deletion.
Identifiers: ClinVar variation 1460424 (VCV001460424.6).